The following is an entry in ClinVar:

NM_000051.4(ATM):c.4999G>A (p.Val1667Ile)

Gene: ATM (ATM serine/threonine kinase; plus strand). Cytogenetic location: 11q22.3.
Variant type: single nucleotide variant.
Coding change: c.4999G>A on transcript NM_000051.4 (MANE Select); coding-DNA position 4999, G replaced by A.
Protein change: p.Val1667Ile; replaces valine 1667 with isoleucine.
Molecular consequence: missense variant.
Genome position (GRCh38, 1-based): chr11:108,297,376, G>A. VCF-style: chr11-108297376-G-A. GRCh37 (hg19) VCF-style: chr11-108168103-G-A.
Other names: c.4999G>A, p.Val1667Ile (NM_001351834.2); short protein forms V1667I.
Identifiers: ClinVar variation 978519 (VCV000978519.8), dbSNP rs780137734, ClinGen allele CA6265591.

ClinVar aggregate classification (germline): Uncertain significance. Review status: criteria provided, multiple submitters, no conflicts (2 of 4 stars). 2 submissions from 2 submitters: Uncertain significance (2). Last evaluated 2021-08-24.

Conditions:
Ataxia-telangiectasia syndrome (AT). Also called: Ataxia telangiectasia (A-T); Ataxia-telangiectasia; Cerebello-oculocutaneous telangiectasia; Immunodeficiency with ataxia telangiectasia; ATAXIA-TELANGIECTASIA, FRESNO VARIANT; LOUIS-BAR SYNDROME. Identifiers: Orphanet 100, MedGen C0004135, MONDO:0008840, OMIM 208900.
Hereditary cancer-predisposing syndrome. Also called: Tumor predisposition; Hereditary Cancer Syndrome; Neoplastic Syndromes, Hereditary; Hereditary neoplastic syndrome. Identifiers: Orphanet 140162, MedGen C0027672, MeSH D009386, MONDO:0015356.

Allele frequency attached by ClinVar (database versions not stated): gnomAD exomes below 0.00001; ExAC 0.00001.

Submissions (2):

Labcorp Genetics (formerly Invitae), Labcorp
Classification: Uncertain significance for Ataxia-telangiectasia syndrome. Last evaluated: 2021-08-24. Review status: criteria provided, single submitter. Criteria: Invitae Variant Classification Sherloc (09022015). Collection method: clinical testing. Allele origin: germline.
Comment: This sequence change replaces valine with isoleucine at codon 1667 of the ATM protein (p.Val1667Ile). The valine residue is moderately conserved and there is a small physicochemical difference between valine and isoleucine. This variant is present in population databases (rs780137734, ExAC 0.002%). This variant has not been reported in the literature in individuals affected with ATM-related conditions. Algorithms developed to predict the effect of missense changes on protein structure and function (SIFT, PolyPhen-2, Align-GVGD) all suggest that this variant is likely to be tolerated. In summary, the available evidence is currently insufficient to determine the role of this variant in disease. Therefore, it has been classified as a Variant of Uncertain Significance.

Ambry Genetics
Classification: Uncertain significance for Hereditary cancer-predisposing syndrome. Last evaluated: 2018-11-21. Review status: criteria provided, single submitter. Criteria: Ambry Variant Classification Scheme 2023. Collection method: clinical testing. Allele origin: germline.
Comment: The p.V1667I variant (also known as c.4999G>A), located in coding exon 32 of the ATM gene, results from a G to A substitution at nucleotide position 4999. The valine at codon 1667 is replaced by isoleucine, an amino acid with highly similar properties. This amino acid position is highly conserved in available vertebrate species. In addition, this alteration is predicted to be tolerated by in silico analysis. Since supporting evidence is limited at this time, the clinical significance of this alteration remains unclear.